The following is an entry in ClinVar:

ClinVar aggregate classification (germline): Uncertain significance (1 of 4 stars; one submission).

gnomAD v4.1: 2 of 1,611,252 alleles (0.00012%); highest among the groups gnomAD compares: South Asian, 0.0011%; no homozygotes.

Submission:

Labcorp Genetics (formerly Invitae), Labcorp
Classification: Uncertain significance. Last evaluated: 2021-05-09. Review status: criteria provided, single submitter. Criteria: Invitae Variant Classification Sherloc (09022015). Collection method: clinical testing. Allele origin: germline.
Comment: In summary, the available evidence is currently insufficient to determine the role of this variant in disease. Therefore, it has been classified as a Variant of Uncertain Significance. Algorithms developed to predict the effect of sequence changes on RNA splicing suggest that this variant is not likely to affect RNA splicing, but this prediction has not been confirmed by published transcriptional studies. This variant has not been reported in the literature in individuals with NBAS-related conditions. This variant is not present in population databases (ExAC no frequency). This sequence change affects codon 1310 of the NBAS mRNA. It is a 'silent' change, meaning that it does not change the encoded amino acid sequence of the NBAS protein.

NM_015909.4(NBAS):c.3930A>G (p.Thr1310=)

Gene: NBAS (NBAS subunit of NRZ tethering complex; minus strand). Cytogenetic location: 2p24.3.
Variant type: single nucleotide variant.
Coding change: c.3930A>G on transcript NM_015909.4 (MANE Select); coding-DNA position 3930, A replaced by G.
Protein change: p.Thr1310=; no amino-acid change (threonine 1310 retained).
Molecular consequence: synonymous variant. On other transcripts: non-coding transcript variant (1).
Genome position (GRCh38, 1-based): chr2:15,356,304, T>C on the plus strand (A>G on the coding strand, the complement: NBAS is on the minus strand). VCF-style: chr2-15356304-T-C. GRCh37 (hg19) VCF-style: chr2-15496428-T-C.
Identifiers: ClinVar variation 1479576 (VCV001479576.8), dbSNP rs2148312206, ClinGen allele CA424869230.